The following is an entry in ClinVar:

ClinVar aggregate classification (germline): Uncertain significance (1 of 4 stars; one submission).

Conditions:
Joubert syndrome 21 (JBTS21). Identifiers: MedGen C3810212, MONDO:0014288, OMIM 615636.

Allele frequency attached by ClinVar (database versions not stated): gnomAD exomes below 0.00001; gnomAD 0.00001; TOPMed 0.00001; ExAC 0.00003; 1000 Genomes Project 0.00020; 1000 Genomes Project 30x 0.00031.
gnomAD v4.1: 6 of 1,601,592 alleles (0.00037%); highest among the groups gnomAD compares: Admixed American, 0.0069%; no homozygotes.

Submission:

Labcorp Genetics (formerly Invitae), Labcorp
Classification: Uncertain significance for Joubert syndrome 21. Last evaluated: 2022-04-30. Review status: criteria provided, single submitter. Criteria: Invitae Variant Classification Sherloc (09022015). Collection method: clinical testing. Allele origin: germline.
Comment: This sequence change replaces lysine, which is basic and polar, with asparagine, which is neutral and polar, at codon 785 of the CSPP1 protein (p.Lys785Asn). This variant is present in population databases (rs190028385, gnomAD 0.01%). This variant has not been reported in the literature in individuals affected with CSPP1-related conditions. Algorithms developed to predict the effect of missense changes on protein structure and function are either unavailable or do not agree on the potential impact of this missense change (SIFT: "Tolerated"; PolyPhen-2: "Possibly Damaging"; Align-GVGD: "Class C0"). In summary, the available evidence is currently insufficient to determine the role of this variant in disease. Therefore, it has been classified as a Variant of Uncertain Significance.

NM_001382391.1(CSPP1):c.2370G>T (p.Lys790Asn)

Gene: CSPP1 (centrosome and spindle pole associated protein 1; plus strand). Cytogenetic location: 8q13.2.
Variant type: single nucleotide variant.
Coding change: c.2370G>T on transcript NM_001382391.1 (MANE Select); coding-DNA position 2370, G replaced by T.
Protein change: p.Lys790Asn; replaces lysine 790 with asparagine.
Molecular consequence: missense variant.
Genome position (GRCh38, 1-based): chr8:67,158,575, G>T. VCF-style: chr8-67158575-G-T. GRCh37 (hg19) VCF-style: chr8-68070810-G-T.
Other names: c.1320G>T, p.Lys440Asn (NM_001291339.2); c.2289G>T, p.Lys763Asn (NM_001363131.2); c.2175G>T, p.Lys725Asn (NM_001363132.2); c.2094G>T, p.Lys698Asn (NM_001363133.2); c.2436G>T, p.Lys812Asn (NM_001364869.1); c.2256G>T, p.Lys752Asn (NM_001364870.1); c.2355G>T, p.Lys785Asn (NM_024790.7); short protein forms K785N, K790N, K725N, K763N, K752N, K812N, K440N, K698N.
Identifiers: ClinVar variation 2186774 (VCV002186774.1), dbSNP rs190028385, ClinGen allele CA4770816.
Genomic context (GRCh38, chr8:67,158,575, plus strand): 5'-AAGACGGCTTGCAGAACAGAGGGCACGAATTCAGCAGGAGTATGAAGAGGAACAGGAAAA[G>T]AAAAGAGAGAAAGAGGAGGAGGTACATCTTTTTTCCCTATTGTATTTTACTACTTAGTCT-3'
Protein context (NP_001369320.1, residues 780-800): IQQEYEEEQE[Lys790Asn]KREKEEEQRL